The following is an entry in ClinVar:

NM_012330.4(KAT6B):c.5092G>A (p.Gly1698Ser)

Gene: KAT6B (lysine acetyltransferase 6B; plus strand). Cytogenetic location: 10q22.2.
Variant type: single nucleotide variant.
Coding change: c.5092G>A on transcript NM_012330.4 (MANE Select); coding-DNA position 5092, G replaced by A.
Protein change: p.Gly1698Ser; replaces glycine 1698 with serine.
Molecular consequence: missense variant.
Genome position (GRCh38, 1-based): chr10:75,029,916, G>A. VCF-style: chr10-75029916-G-A. GRCh37 (hg19) VCF-style: chr10-76789674-G-A.
Other names: c.4216G>A, p.Gly1406Ser (NM_001370140.1, NM_001370141.1, NM_001370142.1 and 2 more transcripts); c.4027G>A, p.Gly1343Ser (NM_001370143.1, NM_001370144.1); c.4543G>A, p.Gly1515Ser (NM_001256468.2, NM_001370138.1); c.4054G>A, p.Gly1352Ser (NM_001370132.1); c.3403G>A, p.Gly1135Ser (NM_001370133.1); c.3007G>A, p.Gly1003Ser (NM_001370134.1); c.2749G>A, p.Gly917Ser (NM_001370135.1); c.5092G>A, p.Gly1698Ser (NM_001370136.1, NM_001370137.1); and 1 more; short protein forms G1698S, G917S, G1135S, G1343S, G1515S, G1003S, G1352S, G1406S.
Identifiers: ClinVar variation 3713311 (VCV003713311.3).

ClinVar aggregate classification (germline): Conflicting classifications of pathogenicity. Review status: criteria provided, conflicting classifications (1 of 4 stars). 2 submissions from 2 submitters: Uncertain significance (1); Likely benign (1). Last evaluated 2026-07-29.

Conditions:
Genitopatellar syndrome (GTPTS). Also called: ABSENT PATELLAE, SCROTAL HYPOPLASIA, RENAL ANOMALIES, FACIAL DYSMORPHISM, AND MENTAL RETARDATION; Genitopatellar syndrome (GPS). Identifiers: Orphanet 85201, MedGen C1853566, MONDO:0011640, OMIM 606170.
Inborn genetic diseases. Identifiers: MedGen C0950123, MeSH D030342.

gnomAD v4.1: 19 of 1,614,072 alleles (0.0012%); highest among the groups gnomAD compares: East Asian, 0.0045%; no homozygotes.

Submissions (2):

Ambry Genetics
Classification: Likely benign for Inborn genetic diseases. Last evaluated: 2026-07-29. Review status: criteria provided, single submitter. Criteria: Ambry Variant Classification Scheme 2023. Collection method: clinical testing. Allele origin: germline.

Labcorp Genetics (formerly Invitae), Labcorp
Classification: Uncertain significance for Genitopatellar syndrome. Last evaluated: 2024-09-27. Review status: criteria provided, single submitter. Criteria: Invitae Variant Classification Sherloc (09022015). Collection method: clinical testing. Allele origin: germline.
Comment: This sequence change replaces glycine, which is neutral and non-polar, with serine, which is neutral and polar, at codon 1698 of the KAT6B protein (p.Gly1698Ser). This variant is present in population databases (no rsID available, gnomAD 0.02%). This variant has not been reported in the literature in individuals affected with KAT6B-related conditions. Invitae Evidence Modeling of protein sequence and biophysical properties (such as structural, functional, and spatial information, amino acid conservation, physicochemical variation, residue mobility, and thermodynamic stability) indicates that this missense variant is not expected to disrupt KAT6B protein function with a negative predictive value of 80%. In summary, the available evidence is currently insufficient to determine the role of this variant in disease. Therefore, it has been classified as a Variant of Uncertain Significance.